The following is an entry in ClinVar:

ClinVar aggregate classification (germline): Conflicting classifications of pathogenicity. Review status: criteria provided, conflicting classifications (1 of 4 stars). 9 submissions from 8 submitters: Uncertain significance (8); Likely benign (1). Last evaluated 2026-01-14.

Conditions:
NF1-related disorder. Also called: NF1-related condition. Identifiers: MedGen CN379171.
Hereditary cancer-predisposing syndrome. Also called: Neoplastic Syndromes, Hereditary; Hereditary neoplastic syndrome; Hereditary Cancer Syndrome; Tumor predisposition. Identifiers: Orphanet 140162, MedGen C0027672, MeSH D009386, MONDO:0015356.
Cardiovascular phenotype. Identifiers: MedGen CN230736.
Neurofibromatosis, type 1 (NF1). Also called: Neurofibromatosis, type I; Peripheral type neurofibromatosis; NEUROFIBROMATOSIS, TYPE I, SOMATIC; VON RECKLINGHAUSEN DISEASE. Identifiers: Orphanet 636, MedGen C0027831, MONDO:0018975, OMIM 162200. Disease mechanism: loss of function.
Neurofibromatosis, familial spinal (FSNF). Identifiers: Orphanet 636, MedGen C1834235, MONDO:0008078, OMIM 162210. Disease mechanism: loss of function.
Neurofibromatosis-Noonan syndrome (NFNS). Also called: NEUROFIBROMATOSIS WITH NOONAN PHENOTYPE. Identifiers: Orphanet 638, MedGen C2931482, MONDO:0011035, OMIM 601321. Disease mechanism: loss of function.
Café-au-lait macules with pulmonary stenosis (WTSN). Also called: PULMONIC STENOSIS WITH CAFE-AU-LAIT SPOTS. Identifiers: MedGen C0553586, MONDO:0008672, OMIM 193520.
Juvenile myelomonocytic leukemia (JMML). Also called: LEUKEMIA, JUVENILE MYELOMONOCYTIC, SOMATIC. Identifiers: Orphanet 86834, MedGen C0349639, MONDO:0011908, OMIM 607785, HP:0012209.

Allele frequency attached by ClinVar (database versions not stated): gnomAD exomes below 0.00001; ExAC 0.00001; TOPMed 0.00002.
gnomAD v4.1: 4 of 1,614,114 alleles (0.00025%); highest among the groups gnomAD compares: Non-Finnish European, 0.00034%; no homozygotes.

Submissions (9):

Labcorp Genetics (formerly Invitae), Labcorp
Classification: Likely benign for Neurofibromatosis, type 1. Last evaluated: 2026-01-14. Review status: criteria provided, single submitter. Criteria: Invitae Variant Classification Sherloc (09022015). Collection method: clinical testing. Allele origin: germline.

Clinical Genomics Laboratory, Washington University in St. Louis
Classification: Uncertain significance for Neurofibromatosis, type 1. Last evaluated: 2025-06-16. Review status: criteria provided, single submitter. Criteria: ACMG Guidelines, 2015. Collection method: clinical testing. Allele origin: germline.
Comment: An NF1 c.7027C>T (p.His2343Tyr) variant was identified at a near heterozygous allelic fraction of 47.5%, a frequency which may be consistent with germline origin. This variant, to our knowledge, has not been previously reported in the medical literature. This variant has been reported in one case in the cancer database COSMIC (Genomic Mutation ID: COSV108881990) and in the ClinVar database as a variant of unknown significance by six submitters and a likely benign variant by a single submitter (ClinVar ID: 234095). The NF1 c.7027C>T (p.His2343Tyr) variant is only observed on 4/1,614,114 alleles in the general population (gnomAD v.4.1.0), indicating it is not a common variant. Computational predictors are uncertain as to the impact of this variant on NF1 function. Due to limited information, and based on ACMG/AMP guidelines for variant interpretation (Richards S et al., PMID: 25741868), the clinical significance of this variant is uncertain at this time.

Ambry Genetics
Classification: Uncertain significance for Cardiovascular phenotype; Hereditary cancer-predisposing syndrome. Last evaluated: 2024-11-12. Review status: criteria provided, single submitter. Criteria: Ambry Variant Classification Scheme 2023. Collection method: clinical testing. Allele origin: germline.

PreventionGenetics, part of Exact Sciences
Classification: Uncertain significance for NF1-related condition. Last evaluated: 2024-11-01. Review status: criteria provided, single submitter. Criteria: ACMG Guidelines, 2015. Collection method: clinical testing. Allele origin: germline.
Comment: The NF1 c.7027C>T variant is predicted to result in the amino acid substitution p.His2343Tyr. This variant is also known as c.6964C>T (p.His2322Tyr) using transcript NM_000267. To our knowledge, this variant has not been reported in the literature in individuals with NF1 associated conditions. This variant is reported in 0.00088% of alleles in individuals of European (Non-Finnish) descent in gnomAD This variant is interpreted as uncertain significance in ClinVar. At this time, the clinical significance of this variant is uncertain due to the absence of conclusive functional and genetic evidence.

GeneDx
Classification: Uncertain significance. Last evaluated: 2024-02-27. Review status: criteria provided, single submitter. Criteria: GeneDx Variant Classification Process June 2021. Collection method: clinical testing. Allele origin: germline. Affected: yes.
Comment: Has not been previously published as pathogenic or benign to our knowledge; In silico analysis supports that this missense variant has a deleterious effect on protein structure/function; In silico analysis suggests this variant may impact gene splicing. In the absence of RNA/functional studies, the actual effect of this sequence change is unknown.; This variant is associated with the following publications: (PMID: 25486365)

Fulgent Genetics
Classification: Uncertain significance for Neurofibromatosis, type 1; Neurofibromatosis, familial spinal; Café-au-lait macules with pulmonary stenosis; Neurofibromatosis-Noonan syndrome; Juvenile myelomonocytic leukemia. Last evaluated: 2023-12-29. Review status: criteria provided, single submitter. Criteria: ACMG Guidelines, 2015. Collection method: clinical testing. Allele origin: germline.

Baylor Genetics
Classification: Uncertain significance for Juvenile myelomonocytic leukemia. Last evaluated: 2023-10-11. Review status: criteria provided, single submitter. Criteria: ACMG Guidelines, 2015. Collection method: clinical testing. Allele origin: unknown.

Genome-Nilou Lab
Classification: Uncertain significance for Neurofibromatosis, type 1. Last evaluated: 2022-03-15. Review status: criteria provided, single submitter. Criteria: ACMG Guidelines, 2015. Collection method: clinical testing. Allele origin: germline. Affected: no.

Ambry Genetics
Classification: Uncertain significance for Hereditary cancer-predisposing syndrome. Last evaluated: 2015-09-23. Review status: criteria provided, single submitter. Criteria: Ambry Autosomal Dominant and X-Linked criteria (10/2015). Collection method: clinical testing. Allele origin: germline. Observed: 1 variant allele.
Comment: The p.H2343Y variant (also known as c.7027C>T), located in coding exon 47 of the NF1 gene, results from a C to T substitution at nucleotide position 7027. The histidine at codon 2343 is replaced by tyrosine, an amino acid with similar properties. This variant was not reported in population based cohorts in the following databases: Database of Single Nucleotide Polymorphisms (dbSNP), NHLBI Exome Sequencing Project (ESP), and 1000 Genomes Project. In the ESP, this variant was not observed in 6503 samples (13006 alleles) with coverage at this position. To date, this alteration has been detected with an allele frequency of approximately 0.002% (greater than 110000alleles tested) in our clinical cohort.This amino acid position is highly conserved in available vertebrate species. In addition, the in silico prediction for this alteration is inconclusive.Since supporting evidence is limited at this time, the clinical significance of p.H2343Yremains unclear.

NM_001042492.3(NF1):c.7027C>T (p.His2343Tyr)

Gene: NF1 (neurofibromin 1; plus strand). Cytogenetic location: 17q11.2.
Variant type: single nucleotide variant.
Coding change: c.7027C>T on transcript NM_001042492.3 (MANE Select); coding-DNA position 7027, C replaced by T.
Protein change: p.His2343Tyr; replaces histidine 2343 with tyrosine.
Molecular consequence: missense variant.
Genome position (GRCh38, 1-based): chr17:31,340,610, C>T. VCF-style: chr17-31340610-C-T. GRCh37 (hg19) VCF-style: chr17-29667628-C-T.
Other names: c.6964C>T, p.His2322Tyr (NM_000267.4); short protein forms H2322Y, H2343Y.
Identifiers: ClinVar variation 234095 (VCV000234095.21), dbSNP rs781578248, ClinGen allele CA8487474.
Genomic context (GRCh38, chr17:31,340,610, plus strand): 5'-CTGCAGCTTGATGAGGTCAACTTGTATTCAGCAGGTACCGCACTTCTTGAACAAAACCTG[C>T]ATACTTTAGATAGTCTCCGTATATTCAATGACAAGGTAAGCAAACTTTGCCTTGAGGTTC-3'
Protein context (NP_001035957.1, residues 2333-2353): AGTALLEQNL[His2343Tyr]TLDSLRIFND